The following is an entry in ClinVar:

NM_004525.3(LRP2):c.5591A>G (p.Asp1864Gly)

Gene: LRP2 (LDL receptor related protein 2; minus strand). Cytogenetic location: 2q31.1.
Variant type: single nucleotide variant.
Coding change: c.5591A>G on transcript NM_004525.3 (MANE Select); coding-DNA position 5591, A replaced by G.
Protein change: p.Asp1864Gly; replaces aspartic acid 1864 with glycine.
Molecular consequence: missense variant.
Genome position (GRCh38, 1-based): chr2:169,220,511, T>C on the plus strand (A>G on the coding strand, the complement: LRP2 is on the minus strand). VCF-style: chr2-169220511-T-C. GRCh37 (hg19) VCF-style: chr2-170077021-T-C.
Other names: short protein forms D1864G.
Identifiers: ClinVar variation 1396186 (VCV001396186.3), dbSNP rs1688952784, ClinGen allele CA349137979.

ClinVar aggregate classification (germline): Uncertain significance (1 of 4 stars; one submission).

Allele frequency attached by ClinVar (database versions not stated): gnomAD exomes below 0.00001.
gnomAD v4.1: 1 of 1,613,602 alleles (0.000062%); highest among the groups gnomAD compares: Non-Finnish European, 0.000085%; no homozygotes.

Submission:

Labcorp Genetics (formerly Invitae), Labcorp
Classification: Uncertain significance. Last evaluated: 2021-12-03. Review status: criteria provided, single submitter. Criteria: Invitae Variant Classification Sherloc (09022015). Collection method: clinical testing. Allele origin: germline.
Comment: This sequence change replaces aspartic acid, which is acidic and polar, with glycine, which is neutral and non-polar, at codon 1864 of the LRP2 protein (p.Asp1864Gly). This variant is not present in population databases (gnomAD no frequency). This variant has not been reported in the literature in individuals affected with LRP2-related conditions. Advanced modeling of protein sequence and biophysical properties (such as structural, functional, and spatial information, amino acid conservation, physicochemical variation, residue mobility, and thermodynamic stability) performed at Invitae indicates that this missense variant is expected to disrupt LRP2 protein function. Algorithms developed to predict the effect of sequence changes on RNA splicing suggest that this variant may create or strengthen a splice site. In summary, the available evidence is currently insufficient to determine the role of this variant in disease. Therefore, it has been classified as a Variant of Uncertain Significance.